The following is an entry in ClinVar:

ClinVar aggregate classification (germline): Uncertain significance. Review status: criteria provided, multiple submitters, no conflicts (2 of 4 stars). 2 submissions from 2 submitters: Uncertain significance (2). Last evaluated 2024-08-11.

Conditions:
Hereditary spastic paraplegia 11. Also called: Spastic paraplegia, mental retardation and thin corpus callosum; SPASTIC PARAPLEGIA, AUTOSOMAL RECESSIVE, COMPLICATED, WITH THIN CORPUS CALLOSUM; SPASTIC PARAPLEGIA, AUTOSOMAL RECESSIVE, WITH MENTAL IMPAIRMENT AND THIN CORPUS CALLOSUM; Spastic Paraplegia 11; Nakamura Osame syndrome; Autosomal recessive hereditary spastic paraplegia, mental impairment, and thin corpus callosum. Identifiers: Orphanet 2822, MedGen C1858479, MONDO:0011445, OMIM 604360.
Inborn genetic diseases. Identifiers: MedGen C0950123, MeSH D030342.

Allele frequency attached by ClinVar (database versions not stated): TOPMed 0.00001; gnomAD exomes below 0.00001; gnomAD 0.00001.
gnomAD v4.1: 3 of 1,594,052 alleles (0.00019%); highest among the groups gnomAD compares: Admixed American, 0.005%; no homozygotes.

Submissions (2):

Ambry Genetics
Classification: Uncertain significance for Inborn genetic diseases. Last evaluated: 2024-08-11. Review status: criteria provided, single submitter. Criteria: Ambry Variant Classification Scheme 2023. Collection method: clinical testing. Allele origin: germline.

Labcorp Genetics (formerly Invitae), Labcorp
Classification: Uncertain significance for Hereditary spastic paraplegia 11. Last evaluated: 2022-07-25. Review status: criteria provided, single submitter. Criteria: Invitae Variant Classification Sherloc (09022015). Collection method: clinical testing. Allele origin: germline.
Comment: This sequence change replaces glutamic acid, which is acidic and polar, with glycine, which is neutral and non-polar, at codon 1580 of the SPG11 protein (p.Glu1580Gly). This variant is present in population databases (no rsID available, gnomAD no frequency). This variant has not been reported in the literature in individuals affected with SPG11-related conditions. ClinVar contains an entry for this variant (Variation ID: 1045991). Algorithms developed to predict the effect of missense changes on protein structure and function are either unavailable or do not agree on the potential impact of this missense change (SIFT: "Tolerated"; PolyPhen-2: "Probably Damaging"; Align-GVGD: "Class C0"). In summary, the available evidence is currently insufficient to determine the role of this variant in disease. Therefore, it has been classified as a Variant of Uncertain Significance.

NM_025137.4(SPG11):c.4739A>G (p.Glu1580Gly)

Gene: SPG11 (SPG11 vesicle trafficking associated, spatacsin; minus strand). Cytogenetic location: 15q21.1.
Variant type: single nucleotide variant.
Coding change: c.4739A>G on transcript NM_025137.4 (MANE Select); coding-DNA position 4739, A replaced by G.
Protein change: p.Glu1580Gly; replaces glutamic acid 1580 with glycine.
Molecular consequence: missense variant.
Genome position (GRCh38, 1-based): chr15:44,592,335, T>C on the plus strand (A>G on the coding strand, the complement: SPG11 is on the minus strand). VCF-style: chr15-44592335-T-C. GRCh37 (hg19) VCF-style: chr15-44884533-T-C.
Other names: c.4739A>G (NM_025137.3); c.4739A>G, p.Glu1580Gly (NM_001160227.2); short protein forms E1580G.
Identifiers: ClinVar variation 1045991 (VCV001045991.5), dbSNP rs1035956118, ClinGen allele CA270089833.